The following is an entry in ClinVar:

ClinVar aggregate classification (germline): Benign/Likely benign. Review status: criteria provided, multiple submitters, no conflicts (2 of 4 stars). 4 submissions from 4 submitters: Benign (1); Likely benign (2). 1 of the submissions does not count toward it. Last evaluated 2026-07-01.

Conditions:
TBX2-related disorder. Also called: TBX2-related condition.

Allele frequency attached by ClinVar (database versions not stated): 1000 Genomes Project 0.00120; 1000 Genomes Project 30x 0.00156; TOPMed 0.00273.
gnomAD v4.1: 6,314 of 1,611,492 alleles (0.39%); highest among the groups gnomAD compares: Non-Finnish European, 0.47%; 11 homozygotes.

Submissions (4):

CeGaT Center for Human Genetics Tuebingen
Classification: Likely benign. Last evaluated: 2026-07-01. Review status: criteria provided, single submitter. Criteria: CeGaT Center For Human Genetics Tuebingen Variant Classification Criteria Version 2. Collection method: clinical testing. Allele origin: germline. Affected: yes. Observed: 8 variant alleles.
Comment: TBX2: BP4, BP7, BS1

Blueprint Genetics
Classification: Likely benign. Last evaluated: 2024-11-27. Review status: criteria provided, single submitter. Criteria: ACMG Guidelines, 2015. Collection method: clinical testing. Allele origin: germline.

Labcorp Genetics (formerly Invitae), Labcorp
Classification: Benign. Last evaluated: 2019-12-31. Review status: criteria provided, single submitter. Criteria: Invitae Variant Classification Sherloc (09022015). Collection method: clinical testing. Allele origin: germline.

PreventionGenetics, part of Exact Sciences
Classification: Benign for TBX2-related condition. Last evaluated: 2019-06-18. Review status: no assertion criteria provided. Collection method: clinical testing. Allele origin: germline. Not counted in ClinVar's aggregate classification.
Comment: This variant is classified as benign based on ACMG/AMP sequence variant interpretation guidelines (Richards et al. 2015 PMID: 25741868, with internal and published modifications).

NM_005994.4(TBX2):c.1773C>G (p.Pro591=)

Gene: TBX2 (T-box transcription factor 2; plus strand). Cytogenetic location: 17q23.2.
Variant type: single nucleotide variant.
Coding change: c.1773C>G on transcript NM_005994.4 (MANE Select); coding-DNA position 1773, C replaced by G.
Protein change: p.Pro591=; no amino-acid change (proline 591 retained).
Molecular consequence: synonymous variant.
Genome position (GRCh38, 1-based): chr17:61,408,140, C>G. VCF-style: chr17-61408140-C-G. GRCh37 (hg19) VCF-style: chr17-59485501-C-G.
Identifiers: ClinVar variation 708559 (VCV000708559.30), dbSNP rs61756219, ClinGen allele CA8689433.